The following is an entry in ClinVar:

ClinVar aggregate classification (germline): Conflicting classifications of pathogenicity. Review status: criteria provided, conflicting classifications (1 of 4 stars). 3 submissions from 3 submitters: Likely pathogenic (1); Uncertain significance (1). 1 of the submissions does not count toward it. Last evaluated 2025-08-30.

Conditions:
Familial ovarian cancer. Identifiers: MedGen C5679802, MONDO:0016248.
Hereditary cancer-predisposing syndrome. Also called: Tumor predisposition; Hereditary Cancer Syndrome; Hereditary neoplastic syndrome; Neoplastic Syndromes, Hereditary. Identifiers: Orphanet 140162, MedGen C0027672, MeSH D009386, MONDO:0015356.
Familial cancer of breast. Also called: BREAST CANCER, FAMILIAL; hereditary breast carcinoma; Hereditary breast cancer. Identifiers: Orphanet 227535, MedGen C0346153, MONDO:0016419, OMIM 114480. Disease mechanism: loss of function.
Fanconi anemia complementation group J. Also called: BRIP1-Related Fanconi Anemia. Identifiers: Orphanet 84, MedGen C1836860, MONDO:0012187, OMIM 609054.

Submissions (3):

Labcorp Genetics (formerly Invitae), Labcorp
Classification: Uncertain significance for Familial cancer of breast; Fanconi anemia complementation group J. Last evaluated: 2025-08-30. Review status: criteria provided, single submitter. Criteria: Invitae Variant Classification Sherloc (09022015). Collection method: clinical testing. Allele origin: germline.
Comment: This sequence change falls in intron 2 of the BRIP1 gene. It does not directly change the encoded amino acid sequence of the BRIP1 protein. It affects a nucleotide within the consensus splice site. This variant is not present in population databases (gnomAD no frequency). This variant has not been reported in the literature in individuals affected with BRIP1-related conditions. ClinVar contains an entry for this variant (Variation ID: 185373). Variants that disrupt the consensus splice site are a relatively common cause of aberrant splicing (PMID: 17576681, 9536098). Studies have shown that this variant is associated with inconclusive levels of altered splicing (internal data). In summary, the available evidence is currently insufficient to determine the role of this variant in disease. Therefore, it has been classified as a Variant of Uncertain Significance.

Ambry Genetics
Classification: Likely pathogenic for Hereditary cancer-predisposing syndrome. Last evaluated: 2025-07-24. Review status: criteria provided, single submitter. Criteria: Ambry Variant Classification Scheme 2023. Collection method: clinical testing. Allele origin: germline.
Comment: The c.93+2dupT intronic variant, results from a duplication of a T nucleotide two nucleotides after coding exon 1 of the BRIP1 gene. This nucleotide position is highly conserved in available vertebrate species. In silico splice site analysis predicts that this alteration will weaken the native splice donor site; however direct evidence is unavailable. Multiple alterations impacting the same donor site (c.93+1G>T, c.93+5G>C and c.93+4_93+7delAGTA) have been demonstrated to disrupt RNA splicing (Ambry internal data). Based on the majority of available evidence to date, this variant is likely to be pathogenic.

Department of Pathology and Laboratory Medicine, Sinai Health System
Classification: Uncertain significance for Familial ovarian cancer. Review status: no assertion criteria provided. Collection method: clinical testing. Allele origin: unknown. Affected: yes. Study: The Canadian Open Genetics Repository (COGR). Not counted in ClinVar's aggregate classification.
Comment: The BRIP1 c.93+2dupT variant was not identified in the literature nor was it identified in the COSMIC, MutDB, or Zhejiang Colon Cancer databases. The variant was identified in dbSNP (ID: rs786202125) as â€šÃ„ÃºWith Uncertain significance alleleâ€šÃ„Ã¹, and in the ClinVar and Clinvitae databases (classified as uncertain significance by Ambry Genetics). The variant was not identified in the following control databases: the 1000 Genomes Project, the NHLBI GO Exome Sequencing Project, the Exome Aggregation Consortium (August 8th 2016), or the Genome Aggregation Database (Feb 27, 2017). The c.93+2dupT variant is predicted to cause abnormal splicing because the nucleotide duplication occurs in the invariant region of the splice consensus sequence. In addition, 4 of 5 in silico or computational prediction software programs (SpliceSiteFinder, MaxEntScan, NNSPLICE, GeneSplicer, HumanSpliceFinder) predict a greater than 10% difference in splicing. In summary, based on the above information the clinical significance of this variant cannot be determined with certainty at this time. This variant is classified as a variant of uncertain significance.

Literature cited by the submitters: PubMed 17576681 (cited by Labcorp Genetics (formerly Invitae), Labcorp); PubMed 9536098 (cited by Labcorp Genetics (formerly Invitae), Labcorp).

NM_032043.3(BRIP1):c.93+2dup

Gene: BRIP1 (BRCA1 interacting DNA helicase 1; minus strand). Cytogenetic location: 17q23.2.
Variant type: Duplication.
Coding change: c.93+2dup on transcript NM_032043.3 (MANE Select); the canonical splice donor site of the intron after coding-DNA position 93, one base duplicated (T; older notation c.93+2dupT).
Molecular consequence: splice donor variant.
Genome position (GRCh38, 1-based): chr17:61,861,445, A duplicated on the plus strand (T on the coding strand, the reverse complement: BRIP1 is on the minus strand). VCF-style (leftmost placement, unchanged base first): chr17-61861444-T-TA. GRCh37 (hg19) VCF-style: chr17-59938805-T-TA.
Other names: c.93+2dupT (NM_032043.2).
Identifiers: ClinVar variation 185373 (VCV000185373.8), dbSNP rs786202125, ClinGen allele CA191756.
Genomic context (GRCh38, chr17:61,861,444, plus strand): 5'-TGTACTTTATGGGTCATAAGTATCTATATCTTAATAAAAACTTAACTGCTGAAAAATACT[T>TA]ACAGAATTCATCATAGCAAGCTGTGACGGGTAAGCTTTATAAGGAAAGTAAATCTTCACC-3'